The following is an entry in ClinVar:

NM_007289.4(MME):c.1705C>A (p.Gln569Lys)

Gene: MME (membrane metalloendopeptidase; plus strand). Cytogenetic location: 3q25.2.
Variant type: single nucleotide variant.
Coding change: c.1705C>A on transcript NM_007289.4 (MANE Select); coding-DNA position 1705, C replaced by A.
Protein change: p.Gln569Lys; replaces glutamine 569 with lysine.
Molecular consequence: missense variant.
Genome position (GRCh38, 1-based): chr3:155,166,946, C>A. VCF-style: chr3-155166946-C-A. GRCh37 (hg19) VCF-style: chr3-154884735-C-A.
Other names: c.1705C>A, p.Gln569Lys (NM_000902.5, NM_001354642.2, NM_001354643.1 and 2 more transcripts); short protein forms Q569K.
Identifiers: ClinVar variation 1307185 (VCV001307185.4), dbSNP rs773255235, ClinGen allele CA2675607.

ClinVar aggregate classification (germline): Uncertain significance. Review status: criteria provided, multiple submitters, no conflicts (2 of 4 stars). 2 submissions from 2 submitters: Uncertain significance (2). Last evaluated 2025-08-06.

Conditions:
Inborn genetic diseases. Identifiers: MedGen C0950123, MeSH D030342.

Allele frequency attached by ClinVar (database versions not stated): ExAC 0.00001; gnomAD exomes 0.00001; gnomAD 0.00002.

Submissions (2):

Ambry Genetics
Classification: Uncertain significance for Inborn genetic diseases. Last evaluated: 2025-08-06. Review status: criteria provided, single submitter. Criteria: Ambry Variant Classification Scheme 2023. Collection method: clinical testing. Allele origin: germline.

GeneDx
Classification: Uncertain significance. Last evaluated: 2024-06-18. Review status: criteria provided, single submitter. Criteria: GeneDx Variant Classification Process June 2021. Collection method: clinical testing. Allele origin: germline. Affected: yes.
Comment: Not observed at significant frequency in large population cohorts (gnomAD); In silico analysis indicates that this missense variant does not alter protein structure/function; Has not been previously published as pathogenic or benign to our knowledge